The following is an entry in ClinVar:

ClinVar aggregate classification (germline): Conflicting classifications of pathogenicity. Review status: criteria provided, conflicting classifications (1 of 4 stars). 2 submissions from 2 submitters: Uncertain significance (1); Benign (1). Last evaluated 2025-11-26.

Conditions:
Kabuki syndrome. Also called: NIIKAWA-KUROKI SYNDROME; Kabuki make-up syndrome. Identifiers: Orphanet 2322, MedGen C0796004, MONDO:0016512.

Allele frequency attached by ClinVar (database versions not stated): gnomAD 0.00002; ExAC 0.00001; gnomAD exomes below 0.00001; TOPMed 0.00001.

Submissions (2):

Labcorp Genetics (formerly Invitae), Labcorp
Classification: Benign for Kabuki syndrome. Last evaluated: 2025-11-26. Review status: criteria provided, single submitter. Criteria: Invitae Variant Classification Sherloc (09022015). Collection method: clinical testing. Allele origin: germline.

GeneDx
Classification: Uncertain significance. Last evaluated: 2020-01-14. Review status: criteria provided, single submitter. Criteria: GeneDx Variant Classification Process June 2021. Collection method: clinical testing. Allele origin: germline. Affected: yes.
Comment: In silico analysis, which includes protein predictors and evolutionary conservation, supports that this variant does not alter protein structure/function; Has not been previously published as pathogenic or benign to our knowledge

NM_003482.4(KMT2D):c.15071A>G (p.Lys5024Arg)

Gene: KMT2D (lysine methyltransferase 2D; minus strand). Cytogenetic location: 12q13.12.
Variant type: single nucleotide variant.
Coding change: c.15071A>G on transcript NM_003482.4 (MANE Select); coding-DNA position 15071, A replaced by G.
Protein change: p.Lys5024Arg; replaces lysine 5024 with arginine.
Molecular consequence: missense variant.
Genome position (GRCh38, 1-based): chr12:49,026,895, T>C on the plus strand (A>G on the coding strand, the complement: KMT2D is on the minus strand). VCF-style: chr12-49026895-T-C. GRCh37 (hg19) VCF-style: chr12-49420678-T-C.
Other names: short protein forms K5024R.
Identifiers: ClinVar variation 1311723 (VCV001311723.5), dbSNP rs761129445, ClinGen allele CA6545608.
Genomic context (GRCh38, chr12:49,026,895, plus strand): 5'-TCAGTGGCCCCGTCACCCTCCTCATGACAGAAACAGCAGCGACGCATGTCTCGCGGTACC[T>C]TGTCAGGTCGCAAGGCTGTGCCAAGCTGCTCCATAAACTCTGCCACTTCCCGCTCATCCT-3'
Protein context (NP_003473.3, residues 5014-5034): EQLGTALRPD[Lys5024Arg]VPRDMRRCCF